The following is an entry in ClinVar:

ClinVar aggregate classification (germline): Uncertain significance. Review status: criteria provided, multiple submitters, no conflicts (2 of 4 stars). 2 submissions from 2 submitters: Uncertain significance (2). Last evaluated 2022-11-29.

Conditions:
Epidermolysis bullosa simplex with nail dystrophy (EBS5D). Identifiers: MedGen C4225309, MONDO:0014661, OMIM 616487.
Autosomal recessive limb-girdle muscular dystrophy type 2Q (LGMDR17). Also called: MUSCULAR DYSTROPHY, LIMB-GIRDLE, AUTOSOMAL RECESSIVE 17. Identifiers: Orphanet 254361, MedGen C3150989, MONDO:0013390, OMIM 613723.
Epidermolysis bullosa simplex 5B, with muscular dystrophy (EBS5B). Also called: Epidermolysis bullosa simplex with muscular dystrophy; EPIDERMOLYSIS BULLOSA SIMPLEX AND LIMB-GIRDLE MUSCULAR DYSTROPHY. Identifiers: Orphanet 257, MedGen C2931072, MONDO:0009181, OMIM 226670.
Epidermolysis bullosa simplex, Ogna type (EBS5A). Also called: Pidermolysis bullosa simplex 5A, Ogna type; EPIDERMOLYSIS BULLOSA SIMPLEX 5A, OGNA TYPE. Identifiers: Orphanet 79401, MedGen C0432317, MONDO:0007555, OMIM 131950.
Epidermolysis bullosa simplex 5C, with pyloric atresia (EBS5C). Also called: Epidermolysis bullosa simplex with pyloric atresia; PLEC1-Related Epidermolysis Bullosa with Pyloric Atresia; PLEC-Related Epidermolysis Bullosa with Pyloric Atresia. Identifiers: Orphanet 158684, MedGen C2677349, MONDO:0012807, OMIM 612138.

Allele frequency attached by ClinVar (database versions not stated): gnomAD exomes 0.00002; ExAC 0.00006; gnomAD 0.00010 and 0.00011; TOPMed 0.00011; 1000 Genomes Project 30x 0.00016.
gnomAD v4.1: 28 of 1,582,078 alleles (0.0018%); highest among the groups gnomAD compares: African/African-American, 0.029%; no homozygotes.

Submissions (2):

Labcorp Genetics (formerly Invitae), Labcorp
Classification: Uncertain significance for Autosomal recessive limb-girdle muscular dystrophy type 2Q; Epidermolysis bullosa simplex, Ogna type; Epidermolysis bullosa simplex with nail dystrophy; Epidermolysis bullosa simplex 5C, with pyloric atresia; Epidermolysis bullosa simplex 5B, with muscular dystrophy. Last evaluated: 2022-11-29. Review status: criteria provided, single submitter. Criteria: Invitae Variant Classification Sherloc (09022015). Collection method: clinical testing. Allele origin: germline.
Comment: This sequence change replaces glutamic acid, which is acidic and polar, with aspartic acid, which is acidic and polar, at codon 1468 of the PLEC protein (p.Glu1468Asp). This variant is present in population databases (rs782706697, gnomAD 0.03%). This variant has not been reported in the literature in individuals affected with PLEC-related conditions. ClinVar contains an entry for this variant (Variation ID: 424083). Algorithms developed to predict the effect of missense changes on protein structure and function are either unavailable or do not agree on the potential impact of this missense change (SIFT: "Deleterious"; PolyPhen-2: "Not Available"; Align-GVGD: "Class C35"). In summary, the available evidence is currently insufficient to determine the role of this variant in disease. Therefore, it has been classified as a Variant of Uncertain Significance.

GeneDx
Classification: Uncertain significance. Last evaluated: 2017-03-03. Review status: criteria provided, single submitter. Criteria: GeneDx Variant Classification (06012015). Collection method: clinical testing. Allele origin: germline. Affected: yes.
Comment: The E1468D variant has not been published as a pathogenic variant, nor has it been reported as a benign variant to our knowledge. The E1468D variant is observed in 3/3248 (0.09%) alleles from individuals of African background (Lek et al., 2016; 1000 Genomes Consortium et al., 2015; Exome Variant Server). This variant is a conservative amino acid substitution, which is not likely to impact secondary protein structure as these residues share similar properties. This substitution occurs at a position where amino acids with similar properties to Glutamic acid are tolerated across species. In silico analysis is inconsistent in its predictions as to whether or not the variant is damaging to the protein structure/function.

NM_201384.3(PLEC):c.4323G>C (p.Glu1441Asp)

Gene: PLEC (plectin; minus strand). Cytogenetic location: 8q24.3.
Variant type: single nucleotide variant.
Coding change: c.4323G>C on transcript NM_201384.3 (MANE Select); coding-DNA position 4323, G replaced by C.
Protein change: p.Glu1441Asp; replaces glutamic acid 1441 with aspartic acid.
Molecular consequence: missense variant.
Genome position (GRCh38, 1-based): chr8:143,925,606, C>G on the plus strand (G>C on the coding strand, the complement: PLEC is on the minus strand). VCF-style: chr8-143925606-C-G. GRCh37 (hg19) VCF-style: chr8-144999774-C-G.
Other names: c.4404G>C, p.Glu1468Asp (NM_000445.5); c.4281G>C, p.Glu1427Asp (NM_201378.4); c.4257G>C, p.Glu1419Asp (NM_201379.3); c.4734G>C, p.Glu1578Asp (NM_201380.4); c.4227G>C, p.Glu1409Asp (NM_201381.3); c.4323G>C, p.Glu1441Asp (NM_201382.4); c.4335G>C, p.Glu1445Asp (NM_201383.3); short protein forms E1409D, E1419D, E1427D, E1441D, E1445D, E1468D, E1578D.
Identifiers: ClinVar variation 424083 (VCV000424083.8), dbSNP rs782706697, ClinGen allele CA4926705.